The following is an entry in ClinVar:

NM_020247.5(COQ8A):c.1162+7G>C

Gene: COQ8A (coenzyme Q8A; plus strand). Cytogenetic location: 1q42.13.
Variant type: single nucleotide variant.
Coding change: c.1162+7G>C on transcript NM_020247.5 (MANE Select); 7 bases into the intron after coding-DNA position 1162, G replaced by C.
Molecular consequence: intron variant.
Genome position (GRCh38, 1-based): chr1:226,983,640, G>C. VCF-style: chr1-226983640-G-C. GRCh37 (hg19) VCF-style: chr1-227171341-G-C.
Identifiers: ClinVar variation 390693 (VCV000390693.4), dbSNP rs1024405380, ClinGen allele CA16603562.
Genomic context (GRCh38, chr1:226,983,640, plus strand): 5'-GTGATGTCAACAACCTCATGGCCGTGTTGAACATGAGCAACATGCTTCCAGAAGGTCTGA[G>C]GCTAGGTGGTTGGGTCAAGGGCAGGAGTGGGTGGCAGGCATCTGTGTTGGGTTCTGGGGA-3'

ClinVar aggregate classification (germline): Likely benign. Review status: criteria provided, multiple submitters, no conflicts (2 of 4 stars). 2 submissions from 2 submitters: Likely benign (2). Last evaluated 2023-04-28.

Allele frequency attached by ClinVar (database versions not stated): TOPMed 0.00001.
gnomAD v4.1: 1 of 1,613,930 alleles (0.000062%); highest among the groups gnomAD compares: Non-Finnish European, 0.000085%; no homozygotes.

Submissions (2):

Labcorp Genetics (formerly Invitae), Labcorp
Classification: Likely benign. Last evaluated: 2023-04-28. Review status: criteria provided, single submitter. Criteria: Invitae Variant Classification Sherloc (09022015). Collection method: clinical testing. Allele origin: germline.

GeneDx
Classification: Likely benign. Last evaluated: 2016-11-15. Review status: criteria provided, single submitter. Criteria: GeneDx Variant Classification (06012015). Collection method: clinical testing. Allele origin: germline. Affected: yes.
Comment: This variant is considered likely benign or benign based on one or more of the following criteria: it is a conservative change, it occurs at a poorly conserved position in the protein, it is predicted to be benign by multiple in silico algorithms, and/or has population frequency not consistent with disease.